The following is an entry in ClinVar:

NM_000330.4(RS1):c.477G>C (p.Glu159Asp)

Genes: CDKL5 (cyclin dependent kinase like 5; plus strand), RS1 (retinoschisin 1; minus strand). Cytogenetic location: Xp22.13.
Variant type: single nucleotide variant.
Coding change: c.477G>C on transcript NM_000330.4 (MANE Select); coding-DNA position 477, G replaced by C.
Protein change: p.Glu159Asp; replaces glutamic acid 159 with aspartic acid.
Molecular consequence: missense variant. On other transcripts: intron variant (2).
Genome position (GRCh38, 1-based): chrX:18,644,475, C>G on the plus strand (G>C on the coding strand, the complement: RS1 is on the minus strand). VCF-style: chrX-18644475-C-G. GRCh37 (hg19) VCF-style: chrX-18662595-C-G.
Other names: c.2714-1532C>G (NM_003159.3, NM_001037343.2); short protein forms E159D.
Identifiers: ClinVar variation 1494633 (VCV001494633.6), dbSNP rs2147191161, ClinGen allele CA412371431.

ClinVar aggregate classification (germline): Uncertain significance (1 of 4 stars; one submission).

Submission:

Labcorp Genetics (formerly Invitae), Labcorp
Classification: Uncertain significance. Last evaluated: 2021-09-24. Review status: criteria provided, single submitter. Criteria: Invitae Variant Classification Sherloc (09022015). Collection method: clinical testing. Allele origin: germline.
Comment: This sequence change replaces glutamic acid with aspartic acid at codon 159 of the RS1 protein (p.Glu159Asp). The glutamic acid residue is moderately conserved and there is a small physicochemical difference between glutamic acid and aspartic acid. This variant is not present in population databases (ExAC no frequency). This variant has not been reported in the literature in individuals with RS1-related conditions. Advanced modeling of protein sequence and biophysical properties (such as structural, functional, and spatial information, amino acid conservation, physicochemical variation, residue mobility, and thermodynamic stability) performed at Invitae indicates that this missense variant is not expected to disrupt RS1 protein function. In summary, the available evidence is currently insufficient to determine the role of this variant in disease. Therefore, it has been classified as a Variant of Uncertain Significance.